The following is an entry in ClinVar:

NC_000017.10:g.(?_41243446)_(41276119_?)dup

Genes: BRCA1 (BRCA1 DNA repair associated; minus strand), LOC110485084 (BRCA1 intronic recombination region; plus strand), LOC126862571 (BRD4-independent group 4 enhancer GRCh37_chr17:41243136-41244335; plus strand), LOC111589216 (BRCA1 intron 2 regulatory region; plus strand). Cytogenetic location: 17q21.31.
Variant type: Duplication.
Identifiers: ClinVar variation 531559 (VCV000531559.4).

ClinVar aggregate classification (germline): Uncertain significance (1 of 4 stars; one submission).

Conditions:
Hereditary breast ovarian cancer syndrome. Also called: Hereditary breast and ovarian cancer syndrome (HBOC); BRCA1- and BRCA2-Associated Hereditary Breast and Ovarian Cancer; Hereditary breast and ovarian cancer syndrome; Breast and ovarian cancer; Hereditary breast and ovarian cancer; Hereditary breast and/or ovarian cancer syndrome. Identifiers: Orphanet 145, MedGen C0677776, MeSH D061325, MONDO:0003582. Disease mechanism: loss of function.

Submission:

Labcorp Genetics (formerly Invitae), Labcorp
Classification: Uncertain significance for Hereditary breast ovarian cancer syndrome. Last evaluated: 2017-11-24. Review status: criteria provided, single submitter. Criteria: Invitae Variant Classification Sherloc (09022015). Collection method: clinical testing. Allele origin: germline.
Comment: Duplication of exons 2-10 has not been reported in the literature in individuals with BRCA1-related disease. In summary, the available evidence is currently insufficient to determine the role of this variant in disease. Therefore, it has been classified as a Variant of Uncertain Significance. This variant is a gross duplication of the genomic region encompassing exons 2-10 of the BRCA1 gene. The 5' end of this event is unknown as it extends beyond the assayed region for this gene and therefore may encompass additional genes. The 3' boundary is likely confined to intron 10 of the BRCA1 gene. The exact location of this variant in the genome is unknown.